The following is an entry in ClinVar:

NM_000540.3(RYR1):c.15036G>T (p.Trp5012Cys)

Gene: RYR1 (ryanodine receptor 1; plus strand). Cytogenetic location: 19q13.2.
Variant type: single nucleotide variant.
Coding change: c.15036G>T on transcript NM_000540.3 (MANE Select); coding-DNA position 15036, G replaced by T.
Protein change: p.Trp5012Cys; replaces tryptophan 5012 with cysteine.
Molecular consequence: missense variant.
Genome position (GRCh38, 1-based): chr19:38,587,339, G>T. VCF-style: chr19-38587339-G-T. GRCh37 (hg19) VCF-style: chr19-39077979-G-T.
Other names: NM_001042723.2:c.15021G>T; c.15021G>T, p.Trp5007Cys (NM_001042723.2); short protein forms W5007C, W5012C.
Identifiers: ClinVar variation 2412684 (VCV002412684.6), dbSNP rs2514786620, ClinGen allele CA405694028.

ClinVar aggregate classification (germline): Uncertain significance. Review status: criteria provided, multiple submitters, no conflicts (2 of 4 stars). 6 submissions from 6 submitters: Uncertain significance (6). Last evaluated 2026-07-02.

Conditions:
Inborn genetic diseases. Identifiers: MedGen C0950123, MeSH D030342.
RYR1-related myopathy. Identifiers: Orphanet 98742, MedGen CN305348, MONDO:0100150.
Malignant hyperthermia, susceptibility to, 1 (MHS1). Also called: Anesthesia related hyperthermia; Malignant hyperpyrexia; Fulminating hyperpyrexia; Pharmacogenic myopathy; RYR1-Related Malignant Hyperthermia Susceptibility; Malignant hyperthermia suceptibility 1. Identifiers: Orphanet 423, MedGen C2930980, MONDO:0007783, OMIM 145600.

Allele frequency attached by ClinVar (database versions not stated): gnomAD exomes 0.00001.
gnomAD v4.1: 8 of 1,613,722 alleles (0.0005%); highest among the groups gnomAD compares: Non-Finnish European, 0.00068%; no homozygotes.

Submissions (6):

Ambry Genetics
Classification: Uncertain significance for Inborn genetic diseases. Last evaluated: 2026-07-02. Review status: criteria provided, single submitter. Criteria: Ambry Variant Classification Scheme 2023. Collection method: clinical testing. Allele origin: germline.
Comment: The p.W5012C variant (also known as c.15036G>T), located in coding exon 106 of the RYR1 gene, results from a G to T substitution at nucleotide position 15036. The tryptophan at codon 5012 is replaced by cysteine, an amino acid with highly dissimilar properties. This amino acid position is conserved. In addition, this alteration is predicted to be deleterious by in silico analysis. Based on the available evidence, the clinical significance of this variant remains unclear.

GeneDx
Classification: Uncertain significance. Last evaluated: 2025-01-28. Review status: criteria provided, single submitter. Criteria: GeneDx Variant Classification Process June 2021. Collection method: clinical testing. Allele origin: germline. Affected: yes.
Comment: Not observed at significant frequency in large population cohorts (gnomAD); In silico analysis supports that this missense variant has a deleterious effect on protein structure/function; Has not been previously published as pathogenic or benign to our knowledge

Athena Diagnostics
Classification: Uncertain significance. Last evaluated: 2024-08-08. Review status: criteria provided, single submitter. Criteria: Athena Diagnostics Criteria. Collection method: clinical testing. Allele origin: unknown.
Comment: Available data are insufficient to determine the clinical significance of the variant at this time. This variant has not been reported in large, multi-ethnic general populations. Polyphen and MutationTaster predict this amino acid change may be damaging to the protein.

All of Us Research Program, National Institutes of Health
Classification: Uncertain significance for Malignant hyperthermia, susceptibility to, 1. Last evaluated: 2023-12-13. Review status: criteria provided, single submitter. Criteria: ACMG Guidelines, 2015. Collection method: clinical testing. Allele origin: germline. Inheritance: Autosomal dominant inheritance. Observed: 1 variant allele, 1 heterozygote.
Comment: This missense variant replaces tryptophan with cysteine at codon 5012 of the RYR1 protein. Computational prediction suggests that this variant may have deleterious impact on protein structure and function (internally defined REVEL score threshold >= 0.7, PMID: 27666373). To our knowledge, functional studies have not been reported for this variant. This variant has not been reported in individuals affected with RYR1-related disorders in the literature. This variant has not been identified in the general population by the Genome Aggregation Database (gnomAD). The available evidence is insufficient to determine the role of this variant in disease conclusively. Therefore, this variant is classified as a Variant of Uncertain Significance.

This study involves interpretation of variants in research participants for the purpose of population health screening. Participant phenotype was not available at the time of variant classification. Additional details can be found in publication PMID: 35346344, PMCID: PMC8962531

Color Diagnostics, LLC DBA Color Health
Classification: Uncertain significance for Malignant hyperthermia, susceptibility to, 1. Last evaluated: 2023-11-08. Review status: criteria provided, single submitter. Criteria: ACMG Guidelines, 2015. Collection method: clinical testing. Allele origin: germline.
Comment: This missense variant replaces tryptophan with cysteine at codon 5012 of the RYR1 protein. Computational prediction suggests that this variant may have deleterious impact on protein structure and function. To our knowledge, functional studies have not been reported for this variant. This variant has not been reported in individuals affected with RYR1-related disorders in the literature. This variant has not been identified in the general population by the Genome Aggregation Database (gnomAD). The available evidence is insufficient to determine the role of this variant in disease conclusively. Therefore, this variant is classified as a Variant of Uncertain Significance.

Broad Center for Mendelian Genomics, Broad Institute of MIT and Harvard
Classification: Uncertain significance for RYR1-related myopathy. Last evaluated: 2023-01-25. Review status: criteria provided, single submitter. Criteria: ACMG Guidelines, 2015. Collection method: curation. Allele origin: germline. Inheritance: Autosomal recessive inheritance.
Comment: Familial segregation analysis revealed that this variant was in trans with a variant of uncertain significance (ClinVar Variation ID: 544377). The p.Trp5012Cys variant in RYR1 has not been previously reported in individuals with RYR1-related myopathy. This variant was absent from large population studies. Computational prediction tools and conservation analyses suggest that this variant may impact the protein, though this information is not predictive enough to determine pathogenicity. In summary, the clinical significance of the p.Trp5012Cys variant is uncertain. ACMG/AMP Criteria applied: PM2_Supporting, PP3 (Richards 2015).